The following is an entry in ClinVar:

NM_006767.4(LZTR1):c.993+5G>A

Gene: LZTR1 (leucine zipper like post translational regulator 1; plus strand). Cytogenetic location: 22q11.21.
Variant type: single nucleotide variant.
Coding change: c.993+5G>A on transcript NM_006767.4 (MANE Select); 5 bases into the intron after coding-DNA position 993, G replaced by A.
Molecular consequence: intron variant.
Genome position (GRCh38, 1-based): chr22:20,991,834, G>A. VCF-style: chr22-20991834-G-A. GRCh37 (hg19) VCF-style: chr22-21346123-G-A.
Identifiers: ClinVar variation 3238379 (VCV003238379.2), dbSNP rs1601719618.

ClinVar aggregate classification (germline): Uncertain significance (1 of 4 stars; one submission).

Conditions:
Hereditary cancer-predisposing syndrome. Also called: Neoplastic Syndromes, Hereditary; Tumor predisposition; Hereditary neoplastic syndrome; Hereditary Cancer Syndrome. Identifiers: Orphanet 140162, MedGen C0027672, MeSH D009386, MONDO:0015356.
Cardiovascular phenotype. Identifiers: MedGen CN230736.

Allele frequency attached by ClinVar (database versions not stated): gnomAD exomes below 0.00001.
gnomAD v4.1: 1 of 1,546,028 alleles (0.000065%); highest among the groups gnomAD compares: Non-Finnish European, 0.000087%; no homozygotes.

Submission:

Ambry Genetics
Classification: Uncertain significance for Cardiovascular phenotype; Hereditary cancer-predisposing syndrome. Last evaluated: 2025-08-04. Review status: criteria provided, single submitter. Criteria: Ambry Variant Classification Scheme 2023. Collection method: clinical testing. Allele origin: germline.
Comment: The c.993+5G>A intronic variant results from a G to A substitution 5 nucleotides after coding exon 9 in the LZTR1 gene. This nucleotide position is well conserved in available vertebrate species. In silico splice site analysis predicts that this alteration will result in the creation or strengthening of a novel splice donor site. RNA studies have demonstrated that this alteration results in a splice defect; however, the clinical impact of this abnormal splicing is unknown at this time (Ambry internal data). Based on the available evidence, the clinical significance of this variant remains unclear.